The following is an entry in ClinVar:

NM_000536.4(RAG2):c.477C>T (p.Arg159=)

Gene: RAG2 (recombination activating 2; minus strand). Cytogenetic location: 11p12.
Variant type: single nucleotide variant.
Coding change: c.477C>T on transcript NM_000536.4 (MANE Select); coding-DNA position 477, C replaced by T.
Protein change: p.Arg159=; no amino-acid change (arginine 159 retained).
Molecular consequence: synonymous variant.
Genome position (GRCh38, 1-based): chr11:36,593,692, G>A on the plus strand (C>T on the coding strand, the complement: RAG2 is on the minus strand). VCF-style: chr11-36593692-G-A. GRCh37 (hg19) VCF-style: chr11-36615242-G-A.
Other names: c.477C>T, p.Arg159= (NM_001243785.2, NM_001243786.2).
Identifiers: ClinVar variation 774545 (VCV000774545.19), dbSNP rs141659100, ClinGen allele CA5950569.

ClinVar aggregate classification (germline): Conflicting classifications of pathogenicity. Review status: criteria provided, conflicting classifications (1 of 4 stars). 7 submissions from 6 submitters: Uncertain significance (2); Likely benign (3). 2 of the submissions do not count toward it. Last evaluated 2025-12-31.

Conditions:
RAG2-related disorder. Also called: RAG2-related condition.
Histiocytic medullary reticulosis. Also called: SEVERE COMBINED IMMUNODEFICIENCY WITH HYPEREOSINOPHILIA; Omenn syndrome. Identifiers: Orphanet 39041, MedGen C2700553, MONDO:0011338, OMIM 603554.
Severe combined immunodeficiency, autosomal recessive, T cell-negative, B cell-negative, NK cell-positive. Also called: SCID, T CELL-NEGATIVE, B CELL-NEGATIVE, NK CELL-POSITIVE; Severe combined immunodeficiency due to complete RAG1/2 deficiency; SCID, AR, T-cell negative, B-cell negative, NK cell-positive. Identifiers: Orphanet 331206, MedGen C1832322, MONDO:0011086, OMIM 601457.
Combined immunodeficiency with skin granulomas. Identifiers: Orphanet 157949, MedGen C2673536, MONDO:0009306, OMIM 233650.

Allele frequency attached by ClinVar (database versions not stated): gnomAD exomes 0.00021 and 0.00049; ExAC 0.00024; gnomAD 0.00033 and 0.00037; TOPMed 0.00033; ESP Exome Variant Server 0.00115.

Submissions (7):

Labcorp Genetics (formerly Invitae), Labcorp
Classification: Likely benign for Combined immunodeficiency with skin granulomas; Severe combined immunodeficiency, autosomal recessive, T cell-negative, B cell-negative, NK cell-positive. Last evaluated: 2025-12-31. Review status: criteria provided, single submitter. Criteria: Invitae Variant Classification Sherloc (09022015). Collection method: clinical testing. Allele origin: germline.

Blueprint Genetics
Classification: Likely benign. Last evaluated: 2024-11-25. Review status: criteria provided, single submitter. Criteria: ACMG Guidelines, 2015. Collection method: clinical testing. Allele origin: germline.

Women's Health and Genetics/Laboratory Corporation of America, LabCorp
Classification: Likely benign. Last evaluated: 2020-03-27. Review status: criteria provided, single submitter. Criteria: LabCorp Variant Classification Summary - May 2015. Collection method: clinical testing. Allele origin: germline.

Illumina Laboratory Services, Illumina
Classification: Uncertain significance for Histiocytic medullary reticulosis. Last evaluated: 2017-04-27. Review status: criteria provided, single submitter. Criteria: ICSL Variant Classification Criteria 13 December 2019. Collection method: clinical testing. Allele origin: germline.

Illumina Laboratory Services, Illumina
Classification: Uncertain significance for Severe combined immunodeficiency, autosomal recessive, T cell-negative, B cell-negative, NK cell-positive. Last evaluated: 2017-04-27. Review status: criteria provided, single submitter. Criteria: ICSL Variant Classification Criteria 13 December 2019. Collection method: clinical testing. Allele origin: germline.

Natera, Inc.
Classification: Likely benign for Omenn syndrome. Last evaluated: 2020-04-13. Review status: no assertion criteria provided. Collection method: clinical testing. Allele origin: germline. Not counted in ClinVar's aggregate classification.

PreventionGenetics, part of Exact Sciences
Classification: Likely benign for RAG2-related condition. Last evaluated: 2019-03-04. Review status: no assertion criteria provided. Collection method: clinical testing. Allele origin: germline. Not counted in ClinVar's aggregate classification.
Comment: This variant is classified as likely benign based on ACMG/AMP sequence variant interpretation guidelines (Richards et al. 2015 PMID: 25741868, with internal and published modifications).